The following is an entry in ClinVar:

NM_170606.3(KMT2C):c.9109_9111del (p.Leu3037del)

Gene: KMT2C (lysine methyltransferase 2C; minus strand). Cytogenetic location: 7q36.1.
Variant type: Deletion.
Coding change: c.9109_9111del on transcript NM_170606.3 (MANE Select); coding-DNA positions 9109 to 9111, 3 bases deleted (TTA; older notation c.9109_9111delTTA).
Protein change: p.Leu3037del; deletes leucine 3037.
Molecular consequence: inframe deletion.
Genome position (GRCh38, 1-based): chr7:152,176,342-152,176,344, TAA deleted on the plus strand (TTA on the coding strand, the reverse complement: KMT2C is on the minus strand); deleting any 3 consecutive bases within chr7:152,176,342-152,176,345 gives the same sequence; the c. name uses the placement nearest the transcript's 3' end. VCF-style (leftmost placement, unchanged base first): chr7-152176341-CTAA-C. GRCh37 (hg19) VCF-style: chr7-151873426-CTAA-C.
Other names: c.9109_9111delTTA (NM_170606.2); short protein forms L3037del.
Identifiers: ClinVar variation 1522703 (VCV001522703.18), dbSNP rs772433974, ClinGen allele CA4579560.

ClinVar aggregate classification (germline): Conflicting classifications of pathogenicity. Review status: criteria provided, conflicting classifications (1 of 4 stars). 4 submissions from 4 submitters: Uncertain significance (1); Benign (1); Likely benign (1). 1 of the submissions does not count toward it. Last evaluated 2025-08-01.

Conditions:
KMT2C-related disorder. Also called: KMT2C-related condition; KMT2C-related disorders.

Submissions (4):

CeGaT Center for Human Genetics Tuebingen
Classification: Likely benign. Last evaluated: 2025-08-01. Review status: criteria provided, single submitter. Criteria: CeGaT Center For Human Genetics Tuebingen Variant Classification Criteria Version 2. Collection method: clinical testing. Allele origin: germline. Affected: yes. Observed: 1 variant allele.
Comment: KMT2C: BS2

Labcorp Genetics (formerly Invitae), Labcorp
Classification: Benign. Last evaluated: 2024-10-23. Review status: criteria provided, single submitter. Criteria: Invitae Variant Classification Sherloc (09022015). Collection method: clinical testing. Allele origin: germline.

Centre of Medical Genetics, University Hospital Muenster
Classification: Uncertain significance. Last evaluated: 2021-12-15. Review status: criteria provided, single submitter. Criteria: ACMG Guidelines, 2015. Collection method: clinical testing. Allele origin: unknown. Affected: yes. Observed: 1 variant allele, 1 heterozygote.
Comment: ACMG categories: PM2,PM4

PreventionGenetics, part of Exact Sciences
Classification: Likely benign for KMT2C-related condition. Last evaluated: 2023-09-26. Review status: no assertion criteria provided. Collection method: clinical testing. Allele origin: germline. Not counted in ClinVar's aggregate classification.
Comment: This variant is classified as likely benign based on ACMG/AMP sequence variant interpretation guidelines (Richards et al. 2015 PMID: 25741868, with internal and published modifications).